The following is an entry in ClinVar:

NC_000009.11:g.(?_103014545)_(103015438_?)del

Gene: INVS (inversin; plus strand). Cytogenetic location: 9q31.1.
Variant type: Deletion.
Identifiers: ClinVar variation 1453877 (VCV001453877.4).

ClinVar aggregate classification (germline): Pathogenic (1 of 4 stars; one submission).

Conditions:
Nephronophthisis. Also called: Juvenile Nephronophthisis. Identifiers: Orphanet 655, MedGen C0687120, MONDO:0019005, HP:0000090.

Submission:

Labcorp Genetics (formerly Invitae), Labcorp
Classification: Pathogenic for Nephronophthisis. Last evaluated: 2021-08-25. Review status: criteria provided, single submitter. Criteria: Invitae Variant Classification Sherloc (09022015). Collection method: clinical testing. Allele origin: germline.
Comment: For these reasons, this variant has been classified as Pathogenic. This variant has not been reported in the literature in individuals affected with INVS-related conditions. This variant is a gross deletion of the genomic region encompassing exon(s) 9-10 of the INVS gene. This deletion is out-of-frame, and is expected to create a premature termination codon and result in an absent or disrupted protein product. Loss-of-function variants in INVS are known to be pathogenic (PMID: 12872123).

Literature cited by the submitters: PubMed 12872123.